The following is an entry in ClinVar:

NM_017534.6(MYH2):c.2225T>C (p.Ile742Thr)

Genes: MYH2 (myosin heavy chain 2; minus strand), MYHAS (myosin heavy chain gene cluster antisense RNA; plus strand). Cytogenetic location: 17p13.1.
Variant type: single nucleotide variant.
Coding change: c.2225T>C on transcript NM_017534.6 (MANE Select); coding-DNA position 2225, T replaced by C.
Protein change: p.Ile742Thr; replaces isoleucine 742 with threonine.
Molecular consequence: missense variant.
Genome position (GRCh38, 1-based): chr17:10,533,588, A>G on the plus strand (T>C on the coding strand, the complement: MYH2 is on the minus strand). VCF-style: chr17-10533588-A-G. GRCh37 (hg19) VCF-style: chr17-10436905-A-G.
Other names: c.2225T>C, p.Ile742Thr (NM_001100112.2); short protein forms I742T.
Identifiers: ClinVar variation 1491255 (VCV001491255.6), dbSNP rs773415186, ClinGen allele CA8391180.

ClinVar aggregate classification (germline): Uncertain significance (1 of 4 stars; one submission).

Conditions:
Myopathy, proximal, and ophthalmoplegia (CMYO6). Also called: CONGENITAL MYOPATHY 6 WITH OPHTHALMOPLEGIA; MYOPATHY WITH CONGENITAL JOINT CONTRACTURES, OPHTHALMOPLEGIA, AND RIMMED VACUOLES; INCLUSION BODY MYOPATHY 3, AUTOSOMAL DOMINANT. Identifiers: Orphanet 363677, Orphanet 79091, MedGen C1854106, MONDO:0011577, OMIM 605637.

Allele frequency attached by ClinVar (database versions not stated): gnomAD exomes 0.00001 and 0.00002; TOPMed 0.00001; ExAC 0.00002; gnomAD 0.00003.
gnomAD v4.1: 27 of 1,614,054 alleles (0.0017%); highest among the groups gnomAD compares: Non-Finnish European, 0.0018%; no homozygotes.

Submission:

Labcorp Genetics (formerly Invitae), Labcorp
Classification: Uncertain significance for Myopathy, proximal, and ophthalmoplegia. Last evaluated: 2025-07-22. Review status: criteria provided, single submitter. Criteria: Invitae Variant Classification Sherloc (09022015). Collection method: clinical testing. Allele origin: germline.
Comment: This sequence change replaces isoleucine, which is neutral and non-polar, with threonine, which is neutral and polar, at codon 742 of the MYH2 protein (p.Ile742Thr). This variant is present in population databases (rs773415186, gnomAD 0.003%). This variant has not been reported in the literature in individuals affected with MYH2-related conditions. ClinVar contains an entry for this variant (Variation ID: 1491255). Invitae Evidence Modeling of protein sequence and biophysical properties (such as structural, functional, and spatial information, amino acid conservation, physicochemical variation, residue mobility, and thermodynamic stability) indicates that this missense variant is not expected to disrupt MYH2 protein function with a negative predictive value of 80%. In summary, the available evidence is currently insufficient to determine the role of this variant in disease. Therefore, it has been classified as a Variant of Uncertain Significance.